The following is an entry in ClinVar:

ClinVar aggregate classification (germline): Uncertain significance (1 of 4 stars; one submission).

Conditions:
Early-infantile DEE. Also called: Early infantile epileptic encephalopathy; Early infantile epileptic encephalopathy with suppression bursts; Ohtahara syndrome. Identifiers: Orphanet 1934, MedGen C0393706, MONDO:0800491.

Allele frequency attached by ClinVar (database versions not stated): gnomAD exomes below 0.00001.
gnomAD v4.1: 1 of 1,614,218 alleles (0.000062%); highest among the groups gnomAD compares: Non-Finnish European, 0.000085%; no homozygotes.

Submission:

Labcorp Genetics (formerly Invitae), Labcorp
Classification: Uncertain significance for Early-infantile DEE. Last evaluated: 2023-12-08. Review status: criteria provided, single submitter. Criteria: Invitae Variant Classification Sherloc (09022015). Collection method: clinical testing. Allele origin: germline.
Comment: This sequence change replaces serine, which is neutral and polar, with alanine, which is neutral and non-polar, at codon 1190 of the SPTAN1 protein (p.Ser1190Ala). This variant is not present in population databases (gnomAD no frequency). This variant has not been reported in the literature in individuals affected with SPTAN1-related conditions. ClinVar contains an entry for this variant (Variation ID: 1521832). Advanced modeling of protein sequence and biophysical properties (such as structural, functional, and spatial information, amino acid conservation, physicochemical variation, residue mobility, and thermodynamic stability) has been performed at Invitae for this missense variant, however the output from this modeling did not meet the statistical confidence thresholds required to predict the impact of this variant on SPTAN1 protein function. In summary, the available evidence is currently insufficient to determine the role of this variant in disease. Therefore, it has been classified as a Variant of Uncertain Significance.

NM_001130438.3(SPTAN1):c.3568T>G (p.Ser1190Ala)

Gene: SPTAN1 (spectrin alpha, non-erythrocytic 1; plus strand). Cytogenetic location: 9q34.11.
Variant type: single nucleotide variant.
Coding change: c.3568T>G on transcript NM_001130438.3 (MANE Select); coding-DNA position 3568, T replaced by G.
Protein change: p.Ser1190Ala; replaces serine 1190 with alanine.
Molecular consequence: missense variant.
Genome position (GRCh38, 1-based): chr9:128,600,104, T>G. VCF-style: chr9-128600104-T-G. GRCh37 (hg19) VCF-style: chr9-131362383-T-G.
Other names: c.3508T>G, p.Ser1170Ala (NM_001195532.2, NM_001363765.2, NM_001375314.2); c.3568T>G, p.Ser1190Ala (NM_001363759.2, NM_001375310.1, NM_001375311.2 and 2 more transcripts); c.3604T>G, p.Ser1202Ala (NM_001375312.2, NM_001375318.1); short protein forms S1202A, S1170A, S1190A.
Identifiers: ClinVar variation 1521832 (VCV001521832.7), dbSNP rs2131475553, ClinGen allele CA375062649.